The following is an entry in ClinVar:

NM_001614.5(ACTG1):c.118C>T (p.His40Tyr)

Gene: ACTG1 (actin gamma 1; minus strand). Cytogenetic location: 17q25.3.
Variant type: single nucleotide variant.
Coding change: c.118C>T on transcript NM_001614.5 (MANE Select); coding-DNA position 118, C replaced by T.
Protein change: p.His40Tyr; replaces histidine 40 with tyrosine.
Molecular consequence: missense variant. On other transcripts: non-coding transcript variant (1).
Genome position (GRCh38, 1-based): chr17:81,512,237, G>A on the plus strand (C>T on the coding strand, the complement: ACTG1 is on the minus strand). VCF-style: chr17-81512237-G-A. GRCh37 (hg19) VCF-style: chr17-79479263-G-A.
Other names: c.118C>T, p.His40Tyr (NM_001199954.3); short protein forms H40Y.
Identifiers: ClinVar variation 374385 (VCV000374385.4), dbSNP rs1057518673, ClinGen allele CA16043697.

ClinVar aggregate classification (germline): Likely pathogenic. Review status: criteria provided, multiple submitters, no conflicts (2 of 4 stars). 3 submissions from 3 submitters: Likely pathogenic (2). 1 of the submissions does not count toward it. Last evaluated 2024-06-12.

Conditions:
ACTG1-related disorder. Also called: ACTG1-related disorders; ACTG1-related condition.
Baraitser-winter syndrome 2. Identifiers: Orphanet 2995, MedGen C3281235, MONDO:0013812, OMIM 614583.

Submissions (3):

Institute of Human Genetics, FAU Erlangen, Friedrich-Alexander-Universität Erlangen-Nürnberg
Classification: Likely pathogenic for Baraitser-winter syndrome 2. Last evaluated: 2024-06-12. Review status: criteria provided, single submitter. Criteria: Hauer et al. (Genet Med. 2018). Collection method: clinical testing. Allele origin: germline. Inheritance: Autosomal dominant inheritance. Affected: yes. Observed: 1 variant allele.
Comment: This variant has been identified by standard clinical testing. Selected ACMG criteria: Likely pathogenic (II):PP2;PM2;PS2

Blueprint Genetics
Classification: Likely pathogenic for ACTG1-related disorders. Last evaluated: 2023-09-22. Review status: criteria provided, single submitter. Criteria: ACMG Guidelines, 2015. Collection method: clinical testing. Allele origin: germline. Affected: yes. Observed: 1 variant allele.

Baylor Genetics
Classification: Likely pathogenic for Baraitser-winter syndrome 2. Last evaluated: 2014-09-24. Review status: no assertion criteria provided. Collection method: clinical testing. Allele origin: de novo. Inheritance: Autosomal dominant inheritance. Affected: yes. Observed: 1 variant allele, 1 heterozygote. Not counted in ClinVar's aggregate classification.
Comment: Brain MRI showed dysplastic corpus callosum and possible intracranial lipoma.